The following is an entry in ClinVar:

ClinVar aggregate classification (germline): Uncertain significance (1 of 4 stars; one submission).

Conditions:
Autosomal dominant nocturnal frontal lobe epilepsy 5. Also called: CILIARY DYSKINESIA, PRIMARY, 28, WITHOUT SITUS INVERSUS; CILIARY DYSKINESIA, PRIMARY, 28, WITH SITUS INVERSUS; Epilepsy, nocturnal frontal lobe, 5; KCNT1-Related Epilepsy. Identifiers: Orphanet 98784, MedGen C3554306, MONDO:0014002, OMIM 615005.
Developmental and epileptic encephalopathy, 14 (DEE14). Also called: Early infantile epileptic encephalopathy 14. Identifiers: Orphanet 293181, MedGen C3554195, MONDO:0013989, OMIM 614959.

Submission:

Labcorp Genetics (formerly Invitae), Labcorp
Classification: Uncertain significance for Autosomal dominant nocturnal frontal lobe epilepsy 5; Developmental and epileptic encephalopathy, 14. Last evaluated: 2025-03-19. Review status: criteria provided, single submitter. Criteria: Invitae Variant Classification Sherloc (09022015). Collection method: clinical testing. Allele origin: germline.
Comment: This sequence change creates a premature translational stop signal (p.Cys408*) in the KCNT1 gene. It is expected to result in an absent or disrupted protein product. However, the current clinical and genetic evidence is not sufficient to establish whether loss-of-function variants in KCNT1 cause disease. The frequency data for this variant in the population databases is considered unreliable, as metrics indicate poor data quality at this position in the gnomAD database. This variant has not been reported in the literature in individuals affected with KCNT1-related conditions. ClinVar contains an entry for this variant (Variation ID: 2182544). In summary, the available evidence is currently insufficient to determine the role of this variant in disease. Therefore, it has been classified as a Variant of Uncertain Significance.

NM_020822.3(KCNT1):c.1224C>A (p.Cys408Ter)

Gene: KCNT1 (potassium sodium-activated channel subfamily T member 1; plus strand). Cytogenetic location: 9q34.3.
Variant type: single nucleotide variant.
Coding change: c.1224C>A on transcript NM_020822.3 (MANE Select); coding-DNA position 1224, C replaced by A.
Protein change: p.Cys408Ter; replaces cysteine 408 with a stop codon.
Molecular consequence: nonsense.
Genome position (GRCh38, 1-based): chr9:135,765,647, C>A. VCF-style: chr9-135765647-C-A. GRCh37 (hg19) VCF-style: chr9-138657493-C-A.
Other names: c.1089C>A, p.Cys363Ter (NM_001272003.2); short protein forms C363*, C408*.
Identifiers: ClinVar variation 2182544 (VCV002182544.4), dbSNP rs1280857652, ClinGen allele CA375501149.